The following is an entry in ClinVar:

NM_006302.3(MOGS):c.754G>T (p.Asp252Tyr)

Gene: MOGS (mannosyl-oligosaccharide glucosidase; minus strand). Cytogenetic location: 2p13.1.
Variant type: single nucleotide variant.
Coding change: c.754G>T on transcript NM_006302.3 (MANE Select); coding-DNA position 754, G replaced by T.
Protein change: p.Asp252Tyr; replaces aspartic acid 252 with tyrosine.
Molecular consequence: missense variant.
Genome position (GRCh38, 1-based): chr2:74,463,212, C>A on the plus strand (G>T on the coding strand, the complement: MOGS is on the minus strand). VCF-style: chr2-74463212-C-A. GRCh37 (hg19) VCF-style: chr2-74690339-C-A.
Other names: c.754G>T (NM_006302.2); c.436G>T, p.Asp146Tyr (NM_001146158.2); short protein forms D146Y, D252Y.
Identifiers: ClinVar variation 1448761 (VCV001448761.4), dbSNP rs758528211, ClinGen allele CA1724949.

ClinVar aggregate classification (germline): Uncertain significance. Review status: criteria provided, multiple submitters, no conflicts (2 of 4 stars). 2 submissions from 2 submitters: Uncertain significance (2). Last evaluated 2025-08-13.

Conditions:
Inborn genetic diseases. Identifiers: MedGen C0950123, MeSH D030342.
MOGS-congenital disorder of glycosylation. Also called: MOGS-CDG; CDG IIb; GLUCOSIDASE I DEFICIENCY; CDG 2B. Identifiers: Orphanet 79330, MedGen C1853736, MONDO:0011629, OMIM 606056.

Allele frequency attached by ClinVar (database versions not stated): gnomAD exomes 0.00001; TOPMed 0.00001; ExAC 0.00002; gnomAD 0.00005 and 0.00006.
gnomAD v4.1: 18 of 1,614,176 alleles (0.0011%); highest among the groups gnomAD compares: Middle Eastern, 0.033%; no homozygotes.

Submissions (2):

Ambry Genetics
Classification: Uncertain significance for Inborn genetic diseases. Last evaluated: 2025-08-13. Review status: criteria provided, single submitter. Criteria: Ambry Variant Classification Scheme 2023. Collection method: clinical testing. Allele origin: germline.

Labcorp Genetics (formerly Invitae), Labcorp
Classification: Uncertain significance for MOGS-congenital disorder of glycosylation. Last evaluated: 2022-02-09. Review status: criteria provided, single submitter. Criteria: Invitae Variant Classification Sherloc (09022015). Collection method: clinical testing. Allele origin: germline.
Comment: This sequence change replaces aspartic acid, which is acidic and polar, with tyrosine, which is neutral and polar, at codon 252 of the MOGS protein (p.Asp252Tyr). This variant is present in population databases (rs758528211, gnomAD 0.01%). This variant has not been reported in the literature in individuals affected with MOGS-related conditions. Algorithms developed to predict the effect of missense changes on protein structure and function are either unavailable or do not agree on the potential impact of this missense change (SIFT: "Tolerated"; PolyPhen-2: "Possibly Damaging"; Align-GVGD: "Class C0"). Algorithms developed to predict the effect of sequence changes on RNA splicing suggest that this variant may create or strengthen a splice site. In summary, the available evidence is currently insufficient to determine the role of this variant in disease. Therefore, it has been classified as a Variant of Uncertain Significance.